The following is an entry in ClinVar:

ClinVar aggregate classification (germline): Uncertain significance (1 of 4 stars; one submission).

Conditions:
Primary dilated cardiomyopathy (DCM). Also called: Dilated Cardiomyopathy. Identifiers: Orphanet 217604, MedGen C0007193, MeSH D002311, MONDO:0005021, HP:0001644. Inheritance: Various modes of inheritance.

Submission:

Labcorp Genetics (formerly Invitae), Labcorp
Classification: Uncertain significance for Primary dilated cardiomyopathy. Last evaluated: 2023-08-10. Review status: criteria provided, single submitter. Criteria: Invitae Variant Classification Sherloc (09022015). Collection method: clinical testing. Allele origin: germline.
Comment: This sequence change replaces leucine, which is neutral and non-polar, with proline, which is neutral and non-polar, at codon 490 of the NEBL protein (p.Leu490Pro). This variant is not present in population databases (gnomAD no frequency). This variant has not been reported in the literature in individuals affected with NEBL-related conditions. ClinVar contains an entry for this variant (Variation ID: 838624). An algorithm developed to predict the effect of missense changes on protein structure and function (PolyPhen-2) suggests that this variant is likely to be disruptive. In summary, the available evidence is currently insufficient to determine the role of this variant in disease. Therefore, it has been classified as a Variant of Uncertain Significance.

NM_006393.3(NEBL):c.1469T>C (p.Leu490Pro)

Gene: NEBL (nebulette; minus strand). Cytogenetic location: 10p12.31.
Variant type: single nucleotide variant.
Coding change: c.1469T>C on transcript NM_006393.3 (MANE Select); coding-DNA position 1469, T replaced by C.
Protein change: p.Leu490Pro; replaces leucine 490 with proline.
Molecular consequence: missense variant. On other transcripts: intron variant (9).
Genome position (GRCh38, 1-based): chr10:20,831,564, A>G on the plus strand (T>C on the coding strand, the complement: NEBL is on the minus strand). VCF-style: chr10-20831564-A-G. GRCh37 (hg19) VCF-style: chr10-21120493-A-G.
Other names: c.301-18624T>C (NM_001377324.1); c.292-18624T>C (NM_001377325.1); c.310-18624T>C (NM_001377323.1); c.250-18624T>C (NM_001377326.1, NM_001377327.1, NM_001377328.1); c.358-18624T>C (NM_213569.2, NM_001173484.2, NM_001377322.1); short protein forms L490P.
Identifiers: ClinVar variation 838624 (VCV000838624.10), dbSNP rs1840423988, ClinGen allele CA376097868.